The following is an entry in ClinVar:

ClinVar aggregate classification (germline): Uncertain significance (1 of 4 stars; one submission).

Conditions:
Inborn genetic diseases. Identifiers: MedGen C0950123, MeSH D030342.

Submission:

Ambry Genetics
Classification: Uncertain significance for Inborn genetic diseases. Last evaluated: 2026-02-15. Review status: criteria provided, single submitter. Criteria: Ambry Variant Classification Scheme 2023. Collection method: clinical testing. Allele origin: germline.
Comment: The p.A490S variant (also known as c.1468G>T), located in coding exon 11 of the BMPR2 gene, results from a G to T substitution at nucleotide position 1468. The alanine at codon 490 is replaced by serine, an amino acid with similar properties. This amino acid position is conserved. In addition, the in silico prediction for this alteration is inconclusive. Based on the available evidence, the clinical significance of this variant remains unclear.

NM_001204.7(BMPR2):c.1468G>T (p.Ala490Ser)

Gene: BMPR2 (bone morphogenetic protein receptor type 2; plus strand). Cytogenetic location: 2q33.2.
Variant type: single nucleotide variant.
Coding change: c.1468G>T on transcript NM_001204.7 (MANE Select); coding-DNA position 1468, G replaced by T.
Protein change: p.Ala490Ser; replaces alanine 490 with serine.
Molecular consequence: missense variant.
Genome position (GRCh38, 1-based): chr2:202,552,770, G>T. VCF-style: chr2-202552770-G-T. GRCh37 (hg19) VCF-style: chr2-203417493-G-T.
Other names: short protein forms A490S.
Identifiers: ClinVar variation 4824920 (VCV004824920.1).
Genomic context (GRCh38, chr2:202,552,770, plus strand): 5'-TTACAGGCAGTGAGGTCACTCAAGGAGACAATCGAAGACTGTTGGGACCAGGATGCAGAG[G>T]CTCGGCTTACTGCACAGTGTGCTGAGGAAAGGATGGCTGAACTTATGATGATTTGGGAAA-3'
Protein context (NP_001195.2, residues 480-500): IEDCWDQDAE[Ala490Ser]RLTAQCAEER